The following is an entry in ClinVar:

ClinVar aggregate classification (germline): Uncertain significance (1 of 4 stars; one submission).

Submission:

Labcorp Genetics (formerly Invitae), Labcorp
Classification: Uncertain significance. Last evaluated: 2024-11-05. Review status: criteria provided, single submitter. Criteria: Invitae Variant Classification Sherloc (09022015). Collection method: clinical testing. Allele origin: germline.
Comment: This sequence change replaces proline, which is neutral and non-polar, with glutamine, which is neutral and polar, at codon 22 of the ATRIP protein (p.Pro22Gln). This variant is not present in population databases (gnomAD no frequency). This variant has not been reported in the literature in individuals affected with ATRIP-related conditions. ClinVar contains an entry for this variant (Variation ID: 2101080). An algorithm developed to predict the effect of missense changes on protein structure and function (PolyPhen-2) suggests that this variant is likely to be disruptive. In summary, the available evidence is currently insufficient to determine the role of this variant in disease. Therefore, it has been classified as a Variant of Uncertain Significance.

NM_130384.3(ATRIP):c.65C>A (p.Pro22Gln)

Genes: ATRIP (ATR interacting protein; plus strand), ATRIP-TREX1 (ATRIP-TREX1 readthrough; plus strand), LOC129936703 (ATAC-STARR-seq lymphoblastoid silent region 14331; plus strand). Cytogenetic location: 3p21.31.
Variant type: single nucleotide variant.
Coding change: c.65C>A on transcript NM_130384.3 (MANE Select); coding-DNA position 65, C replaced by A.
Protein change: p.Pro22Gln; replaces proline 22 with glutamine.
Molecular consequence: missense variant. On other transcripts: non-coding transcript variant (1), intron variant (1).
Genome position (GRCh38, 1-based): chr3:48,446,910, C>A. VCF-style: chr3-48446910-C-A. GRCh37 (hg19) VCF-style: chr3-48488314-C-A.
Other names: c.65C>A, p.Pro22Gln (NM_032166.4); c.-218+111C>A (NM_001271022.2); short protein forms P22Q.
Identifiers: ClinVar variation 2101080 (VCV002101080.4), dbSNP rs2529919091, ClinGen allele CA352702525.